The following is an entry in ClinVar:

ClinVar aggregate classification (germline): Likely benign. Review status: criteria provided, multiple submitters, no conflicts (2 of 4 stars). 3 submissions from 3 submitters: Likely benign (3). Last evaluated 2025-07-09.

Conditions:
Cardiovascular phenotype. Identifiers: MedGen CN230736.
Alstrom syndrome (ALMS). Identifiers: Orphanet 64, MedGen C0268425, MONDO:0008763, OMIM 203800.

Allele frequency attached by ClinVar (database versions not stated): gnomAD 0.00001; ExAC 0.00002.
gnomAD v4.1: 11 of 1,613,994 alleles (0.00068%); highest among the groups gnomAD compares: Non-Finnish European, 0.00085%; no homozygotes.

Submissions (3):

Ambry Genetics
Classification: Likely benign for Cardiovascular phenotype. Last evaluated: 2025-07-09. Review status: criteria provided, single submitter. Criteria: Ambry Variant Classification Scheme 2023. Collection method: clinical testing. Allele origin: germline.

Labcorp Genetics (formerly Invitae), Labcorp
Classification: Likely benign for Alstrom syndrome. Last evaluated: 2023-12-14. Review status: criteria provided, single submitter. Criteria: Invitae Variant Classification Sherloc (09022015). Collection method: clinical testing. Allele origin: germline.

CeGaT Center for Human Genetics Tuebingen
Classification: Likely benign. Last evaluated: 2023-01-01. Review status: criteria provided, single submitter. Criteria: CeGaT Center For Human Genetics Tuebingen Variant Classification Criteria Version 2. Collection method: clinical testing. Allele origin: germline. Affected: yes. Observed: 1 variant allele.
Comment: ALMS1: BP4, BP7

NM_001378454.1(ALMS1):c.2676A>G (p.Gly892=)

Gene: ALMS1 (ALMS1 centrosome and basal body associated protein; plus strand). Cytogenetic location: 2p13.1.
Variant type: single nucleotide variant.
Coding change: c.2676A>G on transcript NM_001378454.1 (MANE Select); coding-DNA position 2676, A replaced by G.
Protein change: p.Gly892=; no amino-acid change (glycine 892 retained).
Molecular consequence: synonymous variant.
Genome position (GRCh38, 1-based): chr2:73,449,203, A>G. VCF-style: chr2-73449203-A-G. GRCh37 (hg19) VCF-style: chr2-73676330-A-G.
Other names: c.2679A>G, p.Gly893= (NM_015120.4).
Identifiers: ClinVar variation 1594706 (VCV001594706.33), dbSNP rs745887923, ClinGen allele CA1713397.